The following is an entry in ClinVar:

ClinVar aggregate classification (germline): Uncertain significance (1 of 4 stars; one submission).

Conditions:
Inborn genetic diseases. Identifiers: MedGen C0950123, MeSH D030342.

Submission:

Ambry Genetics
Classification: Uncertain significance for Inborn genetic diseases. Last evaluated: 2025-12-21. Review status: criteria provided, single submitter. Criteria: Ambry Variant Classification Scheme 2023. Collection method: clinical testing. Allele origin: germline.
Comment: The p.A912S variant (also known as c.2734G>T), located in coding exon 15 of the RECQL4 gene, results from a G to T substitution at nucleotide position 2734. The alanine at codon 912 is replaced by serine, an amino acid with similar properties. This amino acid position is conserved. In addition, this alteration is predicted to be tolerated by in silico analysis. Based on the available evidence, the clinical significance of this variant remains unclear.

NM_004260.4(RECQL4):c.2734G>T (p.Ala912Ser)

Gene: RECQL4 (RecQ like helicase 4; minus strand). Cytogenetic location: 8q24.3.
Variant type: single nucleotide variant.
Coding change: c.2734G>T on transcript NM_004260.4 (MANE Select); coding-DNA position 2734, G replaced by T.
Protein change: p.Ala912Ser; replaces alanine 912 with serine.
Molecular consequence: missense variant. On other transcripts: non-coding transcript variant (3).
Genome position (GRCh38, 1-based): chr8:144,512,868, C>A on the plus strand (G>T on the coding strand, the complement: RECQL4 is on the minus strand). VCF-style: chr8-144512868-C-A. GRCh37 (hg19) VCF-style: chr8-145738251-C-A.
Other names: c.1465G>T, p.Ala489Ser (NM_001413038.1, NM_001413031.1); c.2704G>T, p.Ala902Ser (NM_001413039.1); c.1663G>T, p.Ala555Ser (NM_001413040.1, NM_001413021.1, NM_001413022.1 and 5 more transcripts); c.1597G>T, p.Ala533Ser (NM_001413041.1, NM_001413027.1, NM_001413030.1 and 1 more transcripts); c.1633G>T, p.Ala545Ser (NM_001413042.1); c.1267G>T, p.Ala423Ser (NM_001413043.1); c.2440G>T, p.Ala814Ser (NM_001413017.1); c.2536G>T, p.Ala846Ser (NM_001413018.1); and 6 more; short protein forms A423S, A545S, A880S, A902S, A489S, A533S, A814S, A846S.
Identifiers: ClinVar variation 4841564 (VCV004841564.1).